The following is an entry in ClinVar:

ClinVar aggregate classification (germline): Uncertain significance (1 of 4 stars; one submission).

Conditions:
Hereditary cancer-predisposing syndrome. Also called: Hereditary neoplastic syndrome; Neoplastic Syndromes, Hereditary; Tumor predisposition; Hereditary Cancer Syndrome. Identifiers: Orphanet 140162, MedGen C0027672, MeSH D009386, MONDO:0015356.

Submission:

Ambry Genetics
Classification: Uncertain significance for Hereditary cancer-predisposing syndrome. Last evaluated: 2025-08-08. Review status: criteria provided, single submitter. Criteria: Ambry Variant Classification Scheme 2023. Collection method: clinical testing. Allele origin: germline.
Comment: The p.R644S variant (also known as c.1932G>T), located in coding exon 12 of the RAD50 gene, results from a G to T substitution at nucleotide position 1932. The arginine at codon 644 is replaced by serine, an amino acid with dissimilar properties. This amino acid position is conserved. In addition, this alteration is predicted to be tolerated by in silico analysis. Based on the available evidence, the clinical significance of this variant remains unclear.

NM_005732.4(RAD50):c.1932G>T (p.Arg644Ser)

Gene: RAD50 (RAD50 double strand break repair protein; plus strand). Cytogenetic location: 5q31.1.
Variant type: single nucleotide variant.
Coding change: c.1932G>T on transcript NM_005732.4 (MANE Select); coding-DNA position 1932, G replaced by T.
Protein change: p.Arg644Ser; replaces arginine 644 with serine.
Molecular consequence: missense variant.
Genome position (GRCh38, 1-based): chr5:132,595,007, G>T. VCF-style: chr5-132595007-G-T. GRCh37 (hg19) VCF-style: chr5-131930699-G-T.
Other names: short protein forms R644S.
Identifiers: ClinVar variation 4149728 (VCV004149728.1).
Genomic context (GRCh38, chr5:132,595,007, plus strand): 5'-TTACGAAGACAAGCTGTTTGATGTTTGTGGTAGCCAGGATTTTGAAAGTGATTTAGACAG[G>T]CTTAAAGAGGAAATTGAAAAATCATCAAAACAGCGAGGTAAGTTGTCTACTTTATATTAT-3'
Protein context (NP_005723.2, residues 634-654): GSQDFESDLD[Arg644Ser]LKEEIEKSSK